The following is an entry in ClinVar:

NM_016169.4(SUFU):c.107C>T (p.Ala36Val)

Gene: SUFU (SUFU negative regulator of hedgehog signaling; plus strand). Cytogenetic location: 10q24.32.
Variant type: single nucleotide variant.
Coding change: c.107C>T on transcript NM_016169.4 (MANE Select); coding-DNA position 107, C replaced by T.
Protein change: p.Ala36Val; replaces alanine 36 with valine.
Molecular consequence: missense variant.
Genome position (GRCh38, 1-based): chr10:102,504,259, C>T. VCF-style: chr10-102504259-C-T. GRCh37 (hg19) VCF-style: chr10-104264016-C-T.
Other names: c.107C>T, p.Ala36Val (NM_001178133.2); short protein forms A36V.
Identifiers: ClinVar variation 241079 (VCV000241079.21), dbSNP rs566714720, ClinGen allele CA5667593.

ClinVar aggregate classification (germline): Uncertain significance. Review status: criteria provided, multiple submitters, no conflicts (2 of 4 stars). 6 submissions from 6 submitters: Uncertain significance (6). Last evaluated 2026-09-02.

Conditions:
Medulloblastoma (MDB). Also called: MEDULLOBLASTOMA PREDISPOSITION SYNDROME; Medulloblastoma, somatic. Identifiers: Orphanet 616, MedGen C0025149, MeSH D008527, MONDO:0007959, OMIM 155255, HP:0002885.
Gorlin syndrome. Also called: Basal cell nevus syndrome; Nevoid Basal Cell Carcinoma Syndrome. Identifiers: Orphanet 377, MedGen C0004779, MONDO:0007187.
Hereditary cancer-predisposing syndrome. Also called: Tumor predisposition; Neoplastic Syndromes, Hereditary; Hereditary Cancer Syndrome; Hereditary neoplastic syndrome. Identifiers: Orphanet 140162, MedGen C0027672, MeSH D009386, MONDO:0015356.
Familial meningioma. Also called: Meningioma, familial, susceptibility to. Identifiers: Orphanet 263662, MedGen C3551915, MONDO:0011789, OMIM 607174.

Allele frequency attached by ClinVar (database versions not stated): ExAC 0.00001; 1000 Genomes Project 30x 0.00016; 1000 Genomes Project 0.00020; gnomAD 0.00001 and 0.00002; TOPMed 0.00013; gnomAD exomes below 0.00001.
gnomAD v4.1: 8 of 1,613,994 alleles (0.0005%); highest among the groups gnomAD compares: Admixed American, 0.005%; no homozygotes.

Submissions (6):

Ambry Genetics
Classification: Uncertain significance for Hereditary cancer-predisposing syndrome. Last evaluated: 2026-09-02. Review status: criteria provided, single submitter. Criteria: Ambry Variant Classification Scheme 2023. Collection method: clinical testing. Allele origin: germline.
Comment: The c.107C>T (p.A36V) alteration is located in exon 1 (coding exon 1) of the SUFU gene. This alteration results from a C to T substitution at nucleotide position 107, causing the alanine (A) at amino acid position 36 to be replaced by a valine (V). Based on data from gnomAD, the T allele has an overall frequency of <0.001% (1/247628) total alleles studied. The highest observed frequency was 0.003% (1/34546) of Latino alleles. Based on insufficient or conflicting evidence, the clinical significance of this alteration remains unclear.

Labcorp Genetics (formerly Invitae), Labcorp
Classification: Uncertain significance for Gorlin syndrome; Medulloblastoma. Last evaluated: 2025-11-09. Review status: criteria provided, single submitter. Criteria: Invitae Variant Classification Sherloc (09022015). Collection method: clinical testing. Allele origin: germline.
Comment: This sequence change replaces alanine, which is neutral and non-polar, with valine, which is neutral and non-polar, at codon 36 of the SUFU protein (p.Ala36Val). This variant is present in population databases (rs566714720, gnomAD 0.003%). This variant has not been reported in the literature in individuals affected with SUFU-related conditions. ClinVar contains an entry for this variant (Variation ID: 241079). Invitae Evidence Modeling of protein sequence and biophysical properties (such as structural, functional, and spatial information, amino acid conservation, physicochemical variation, residue mobility, and thermodynamic stability) indicates that this missense variant is not expected to disrupt SUFU protein function with a negative predictive value of 80%. In summary, the available evidence is currently insufficient to determine the role of this variant in disease. Therefore, it has been classified as a Variant of Uncertain Significance.

Quest Diagnostics Nichols Institute San Juan Capistrano
Classification: Uncertain significance. Last evaluated: 2025-10-01. Review status: criteria provided, single submitter. Criteria: Quest Diagnostics criteria. Collection method: clinical testing. Allele origin: unknown.
Comment: The SUFU c.107C>T (p.Ala36Val) variant has not been reported in individuals with SUFU-related conditions in the published literature. The frequency of this variant in the general population (Genome Aggregation Database) is uninformative in the assessment of its pathogenicity. Analysis of this variant using bioinformatics tools for the prediction of the effect of amino acid changes on protein structure and function yielded conflicting predictions that this variant is deleterious or benign. Based on the available information, we are unable to determine the clinical significance of this variant.

Baylor Genetics
Classification: Uncertain significance for Familial meningioma. Last evaluated: 2024-02-22. Review status: criteria provided, single submitter. Criteria: ACMG Guidelines, 2015. Collection method: clinical testing. Allele origin: unknown.

GeneDx
Classification: Uncertain significance. Last evaluated: 2023-09-22. Review status: criteria provided, single submitter. Criteria: GeneDx Variant Classification Process June 2021. Collection method: clinical testing. Allele origin: germline. Affected: yes.
Comment: Not observed at significant frequency in large population cohorts (gnomAD); In silico analysis supports that this missense variant has a deleterious effect on protein structure/function; Has not been previously published as pathogenic or benign to our knowledge; This variant is associated with the following publications: (PMID: 24311597)

Sema4
Classification: Uncertain significance for Hereditary cancer-predisposing syndrome. Last evaluated: 2022-02-02. Review status: criteria provided, single submitter. Criteria: Sema4 Curation Guidelines. Collection method: curation. Allele origin: germline.
Comment: The SUFU c.107C>T (p.A36V) variant has not been reported in the literature to our knowledge. It was observed in 1/34546 chromosomes of the Latino subpopulation in the large and broad cohorts of the Genome Aggregation Database (PMID: 32461654). The variant has been reported in ClinVar (Variation ID 241079). Functional studies have not been performed, and in silico predictions of the variant's effect on protein function are inconclusive. The evidence is insufficient to meet ACMG/AMP criteria for classifying the variant as benign or pathogenic. Thus, the clinical significance of this variant is currently uncertain.